The following is an entry in ClinVar:

NM_017775.4(TTC19):c.27G>C (p.Leu9=)

Genes: TTC19 (tetratricopeptide repeat domain 19; plus strand), LOC130060311 (ATAC-STARR-seq lymphoblastoid silent region 8214; plus strand). Cytogenetic location: 17p12.
Variant type: single nucleotide variant.
Coding change: c.27G>C on transcript NM_017775.4 (MANE Select); coding-DNA position 27, G replaced by C.
Protein change: p.Leu9=; no amino-acid change (leucine 9 retained).
Molecular consequence: synonymous variant. On other transcripts: 5 prime UTR variant (1).
Genome position (GRCh38, 1-based): chr17:15,999,875, G>C. VCF-style: chr17-15999875-G-C. GRCh37 (hg19) VCF-style: chr17-15903189-G-C.
Other names: c.-432G>C (NM_001271420.2).
Identifiers: ClinVar variation 378796 (VCV000378796.5), dbSNP rs781647443, ClinGen allele CA8407236.

ClinVar aggregate classification (germline): Benign/Likely benign. Review status: criteria provided, multiple submitters, no conflicts (2 of 4 stars). 3 submissions from 3 submitters: Benign (1); Likely benign (2). Last evaluated 2023-11-19.

Allele frequency attached by ClinVar (database versions not stated): TOPMed 0.00001; gnomAD 0.00004; gnomAD exomes 0.00006 and 0.00037; 1000 Genomes Project 30x 0.00016; ExAC 0.00134.
gnomAD v4.1: 79 of 1,439,172 alleles (0.0055%); highest among the groups gnomAD compares: South Asian, 0.11%; 2 homozygotes.

Submissions (3):

Labcorp Genetics (formerly Invitae), Labcorp
Classification: Benign. Last evaluated: 2023-11-19. Review status: criteria provided, single submitter. Criteria: Invitae Variant Classification Sherloc (09022015). Collection method: clinical testing. Allele origin: germline.

Blueprint Genetics
Classification: Likely benign. Last evaluated: 2023-10-26. Review status: criteria provided, single submitter. Criteria: ACMG Guidelines, 2015. Collection method: clinical testing. Allele origin: germline.

GeneDx
Classification: Likely benign. Last evaluated: 2017-01-05. Review status: criteria provided, single submitter. Criteria: GeneDx Variant Classification (06012015). Collection method: clinical testing. Allele origin: germline. Affected: yes.
Comment: This variant is considered likely benign or benign based on one or more of the following criteria: it is a conservative change, it occurs at a poorly conserved position in the protein, it is predicted to be benign by multiple in silico algorithms, and/or has population frequency not consistent with disease.